The following is an entry in ClinVar:

ClinVar aggregate classification (germline): Uncertain significance (1 of 4 stars; one submission).

gnomAD v4.1: 16 of 485,647 alleles (0.0033%); highest among the groups gnomAD compares: Non-Finnish European, 0.0048%; no homozygotes.

Submission:

GeneDx
Classification: Uncertain significance. Last evaluated: 2025-02-15. Review status: criteria provided, single submitter. Criteria: GeneDx Variant Classification Process June 2021. Collection method: clinical testing. Allele origin: germline. Affected: yes.
Comment: Canonical splice site variant predicted to result in an in-frame loss of the adjacent exon in a gene for which loss of function is a known mechanism of disease; Has not been previously published as pathogenic or benign to our knowledge

NM_020922.5(WNK3):c.4870+1G>A

Gene: WNK3 (WNK lysine deficient protein kinase 3; minus strand). Cytogenetic location: Xp11.22.
Variant type: single nucleotide variant.
Coding change: c.4870+1G>A on transcript NM_020922.5 (MANE Select); the canonical splice donor site of the intron after coding-DNA position 4870, G replaced by A.
Molecular consequence: splice donor variant. On other transcripts: intron variant (2).
Genome position (GRCh38, 1-based): chrX:54,228,713, C>T on the plus strand (G>A on the coding strand, the complement: WNK3 is on the minus strand). VCF-style: chrX-54228713-C-T. GRCh37 (hg19) VCF-style: chrX-54255146-C-T.
Other names: c.4699+4096G>A (NM_001395166.1, NM_001002838.4).
Identifiers: ClinVar variation 4076638 (VCV004076638.1).